The following is an entry in ClinVar:

NM_001378454.1(ALMS1):c.716C>T (p.Ala239Val)

Gene: ALMS1 (ALMS1 centrosome and basal body associated protein; plus strand). Cytogenetic location: 2p13.1.
Variant type: single nucleotide variant.
Coding change: c.716C>T on transcript NM_001378454.1 (MANE Select); coding-DNA position 716, C replaced by T.
Protein change: p.Ala239Val; replaces alanine 239 with valine.
Molecular consequence: missense variant.
Genome position (GRCh38, 1-based): chr2:73,422,926, C>T. VCF-style: chr2-73422926-C-T. GRCh37 (hg19) VCF-style: chr2-73650054-C-T.
Other names: p.Ala239Val; c.719C>T, p.Ala240Val (NM_015120.4); short protein forms A240V, A239V.
Identifiers: ClinVar variation 549958 (VCV000549958.14), dbSNP rs370830919, ClinGen allele CA1712938.

ClinVar aggregate classification (germline): Conflicting classifications of pathogenicity. Review status: criteria provided, conflicting classifications (1 of 4 stars). 7 submissions from 7 submitters: Uncertain significance (4); Likely benign (1). 2 of the submissions do not count toward it. Last evaluated 2026-02-10.

Conditions:
Cardiovascular phenotype. Identifiers: MedGen CN230736.
Alstrom syndrome (ALMS). Identifiers: Orphanet 64, MedGen C0268425, MONDO:0008763, OMIM 203800.

Allele frequency attached by ClinVar (database versions not stated): gnomAD 0.00002 and 0.00003; TOPMed 0.00003; ExAC 0.00004; gnomAD exomes 0.00004; ESP Exome Variant Server 0.00008.
gnomAD v4.1: 55 of 1,613,494 alleles (0.0034%); highest among the groups gnomAD compares: African/African-American, 0.0053%; no homozygotes.

Submissions (7):

Ambry Genetics
Classification: Likely benign for Cardiovascular phenotype. Last evaluated: 2026-02-10. Review status: criteria provided, single submitter. Criteria: Ambry Variant Classification Scheme 2023. Collection method: clinical testing. Allele origin: germline.

Blueprint Genetics
Classification: Uncertain significance. Last evaluated: 2024-03-18. Review status: criteria provided, single submitter. Criteria: ACMG Guidelines, 2015. Collection method: clinical testing. Allele origin: germline.

Labcorp Genetics (formerly Invitae), Labcorp
Classification: Uncertain significance for Alstrom syndrome. Last evaluated: 2022-06-20. Review status: criteria provided, single submitter. Criteria: Invitae Variant Classification Sherloc (09022015). Collection method: clinical testing. Allele origin: germline.
Comment: This sequence change replaces alanine, which is neutral and non-polar, with valine, which is neutral and non-polar, at codon 240 of the ALMS1 protein (p.Ala240Val). This variant is present in population databases (rs370830919, gnomAD 0.007%). This variant has not been reported in the literature in individuals affected with ALMS1-related conditions. ClinVar contains an entry for this variant (Variation ID: 549958). Experimental studies and prediction algorithms are not available or were not evaluated, and the functional significance of this variant is currently unknown. In summary, the available evidence is currently insufficient to determine the role of this variant in disease. Therefore, it has been classified as a Variant of Uncertain Significance.

GeneDx
Classification: Uncertain significance. Last evaluated: 2022-05-27. Review status: criteria provided, single submitter. Criteria: GeneDx Variant Classification Process June 2021. Collection method: clinical testing. Allele origin: germline. Affected: yes.
Comment: Not observed at significant frequency in large population cohorts (gnomAD); In silico analysis supports that this missense variant does not alter protein structure/function; Has not been previously published as pathogenic or benign to our knowledge

Foundation for Research in Genetics and Endocrinology, FRIGE's Institute of Human Genetics
Classification: Uncertain significance for Alstrom syndrome. Last evaluated: 2022-02-08. Review status: criteria provided, single submitter. Criteria: ACMG Guidelines, 2015. Collection method: clinical testing. Allele origin: germline. Inheritance: Autosomal recessive inheritance. Affected: yes. Observed: 1 heterozygote.
Comment: A heterozygous missense variation in exon 4 of the ALMS1 gene that results in the amino acid substitution of Valine for Alanine at codon 239 was detected. The observed variant c.716C>T (p.Ala239Val) has not been reported in the 1000 genomes and has minor allele frequency of 0.004% in the gnomAD database. The reference codon is conserved across species. In summary, the variant meets our criteria to be classified as a variant of uncertain significance.

Natera, Inc.
Classification: Uncertain significance for Alstrom syndrome. Last evaluated: 2019-10-28. Review status: no assertion criteria provided. Collection method: clinical testing. Allele origin: germline. Not counted in ClinVar's aggregate classification.

Counsyl
Classification: Uncertain significance for Alstrom syndrome. Last evaluated: 2017-11-13. Review status: no assertion criteria provided. Collection method: clinical testing. Allele origin: unknown. Not counted in ClinVar's aggregate classification.

Literature cited by the submitters: PubMed 39138584 (cited by Ambry Genetics).